The following is an entry in ClinVar:

NM_006648.4(WNK2):c.203C>G (p.Pro68Arg)

Gene: WNK2 (WNK lysine deficient protein kinase 2; plus strand). Cytogenetic location: 9q22.31.
Variant type: single nucleotide variant.
Coding change: c.203C>G on transcript NM_006648.4 (MANE Select); coding-DNA position 203, C replaced by G.
Protein change: p.Pro68Arg; replaces proline 68 with arginine.
Molecular consequence: missense variant.
Genome position (GRCh38, 1-based): chr9:93,185,132, C>G. VCF-style: chr9-93185132-C-G. GRCh37 (hg19) VCF-style: chr9-95947414-C-G.
Other names: c.203C>G, p.Pro68Arg (NM_001282394.3); short protein forms P68R.
Identifiers: ClinVar variation 3470488 (VCV003470488.1).

ClinVar aggregate classification (germline): Uncertain significance (1 of 4 stars; one submission).

gnomAD v4.1: 3 of 1,307,272 alleles (0.00023%); highest among the groups gnomAD compares: Non-Finnish European, 0.00029%; no homozygotes.

Submission:

Ambry Genetics
Classification: Uncertain significance. Last evaluated: 2024-11-28. Review status: criteria provided, single submitter. Criteria: Ambry Variant Classification Scheme 2023. Collection method: clinical testing. Allele origin: germline.
Comment: The p.P68R variant (also known as c.203C>G), located in coding exon 1 of the WNK2 gene, results from a C to G substitution at nucleotide position 203. The proline at codon 68 is replaced by arginine, an amino acid with dissimilar properties. This amino acid position is conserved. In addition, this alteration is predicted to be tolerated by in silico analysis. Based on the available evidence, the clinical significance of this variant remains unclear.